The following is an entry in ClinVar:

ClinVar aggregate classification (germline): Likely pathogenic (1 of 4 stars; one submission).

Conditions:
Bifunctional peroxisomal enzyme deficiency (DBIF). Also called: DBP DEFICIENCY; PBFE DEFICIENCY; D-bifunctional protein deficiency. Identifiers: Orphanet 300, MedGen C0342870, MONDO:0009855, OMIM 261515. Disease mechanism: loss of function.

Submission:

Myriad Genetics, Inc.
Classification: Likely pathogenic for Bifunctional peroxisomal enzyme deficiency. Last evaluated: 2022-03-29. Review status: criteria provided, single submitter. Criteria: Myriad Autosomal Dominant, Autosomal Recessive and X-Linked Classification Criteria (2023). Collection method: clinical testing. Allele origin: unknown.
Comment: NM_000414.3(HSD17B4):c.1488delC(T497Pfs*27) is expected to be pathogenic in the context of HSD17B4-related disorders. This variant is predicted to lead to an abnormal or absent protein product due to the creation of a premature termination codon in HSD17B4, a gene where loss-of-function variants are known to be pathogenic. Please note: this variant was assessed in the context of healthy population screening.

NM_000414.4(HSD17B4):c.1488del (p.Thr497fs)

Gene: HSD17B4 (hydroxysteroid 17-beta dehydrogenase 4; plus strand). Cytogenetic location: 5q23.1.
Variant type: Deletion.
Coding change: c.1488del on transcript NM_000414.4 (MANE Select); coding-DNA position 1488, one base deleted (C; older notation c.1488delC).
Protein change: p.Thr497fs; shifts the reading frame from threonine 497.
Molecular consequence: frameshift variant. On other transcripts: non-coding transcript variant (2).
Genome position (GRCh38, 1-based): chr5:119,515,031, C deleted; the last of 2 consecutive C bases (chr5:119,515,030-119,515,031); deleting either gives the same sequence. VCF-style (leftmost placement, unchanged base first): chr5-119515029-AC-A. GRCh37 (hg19) VCF-style: chr5-118850724-AC-A.
Other names: c.1563del, p.Thr522fs (NM_001199291.3); c.1434del, p.Thr479fs (NM_001199292.2); c.1416del, p.Thr473fs (NM_001292027.2, NM_001374498.1); c.1068del, p.Thr357fs (NM_001292028.2); c.1479del, p.Thr494fs (NM_001374497.1); c.1161del, p.Thr388fs (NM_001374499.1); c.1047del, p.Thr350fs (NM_001374500.1); c.1077del, p.Thr360fs (NM_001374501.1, NM_001374502.1, NM_001374503.1); short protein forms T350fs, T357fs, T360fs, T388fs, T473fs, T479fs, T494fs, T497fs.
Identifiers: ClinVar variation 1725530 (VCV001725530.3), dbSNP rs2531841080, ClinGen allele CA2578387669.